The following is an entry in ClinVar:

ClinVar aggregate classification (germline): Pathogenic (1 of 4 stars; one submission).

Conditions:
Retinitis pigmentosa 12 (RP12). Also called: RP WITH OR WITHOUT PPRPE; RP WITH OR WITHOUT PRESERVED PARAARTERIOLE RETINAL PIGMENT EPITHELIUM; RETINITIS PIGMENTOSA WITH OR WITHOUT PARAARTERIOLAR PRESERVATION OF RETINAL PIGMENT EPITHELIUM. Identifiers: Orphanet 791, MedGen C1838647, MONDO:0010818, OMIM 600105.
Leber congenital amaurosis 8 (LCA8). Identifiers: Orphanet 65, MedGen C3151202, MONDO:0013453, OMIM 613835.

Submission:

Labcorp Genetics (formerly Invitae), Labcorp
Classification: Pathogenic for Leber congenital amaurosis 8; Retinitis pigmentosa 12. Last evaluated: 2024-03-20. Review status: criteria provided, single submitter. Criteria: Invitae Variant Classification Sherloc (09022015). Collection method: clinical testing. Allele origin: germline.
Comment: This sequence change creates a premature translational stop signal (p.Glu923*) in the CRB1 gene. It is expected to result in an absent or disrupted protein product. Loss-of-function variants in CRB1 are known to be pathogenic (PMID: 10508521, 22065545, 23379534, 25412400, 26957898, 28041643, 29391521). This variant is not present in population databases (gnomAD no frequency). This variant has not been reported in the literature in individuals affected with CRB1-related conditions. ClinVar contains an entry for this variant (Variation ID: 1070332). Algorithms developed to predict the effect of sequence changes on RNA splicing suggest that this variant may disrupt the consensus splice site. For these reasons, this variant has been classified as Pathogenic.

Literature cited by the submitters: PubMed 10508521; PubMed 22065545; PubMed 23379534; PubMed 25412400; PubMed 26957898; PubMed 28041643; PubMed 29391521.

NM_201253.3(CRB1):c.2767G>T (p.Glu923Ter)

Gene: CRB1 (crumbs cell polarity complex component 1; plus strand). Cytogenetic location: 1q31.3.
Variant type: single nucleotide variant.
Coding change: c.2767G>T on transcript NM_201253.3 (MANE Select); coding-DNA position 2767, G replaced by T.
Protein change: p.Glu923Ter; replaces glutamic acid 923 with a stop codon.
Molecular consequence: nonsense. On other transcripts: non-coding transcript variant (2), intron variant (1).
Genome position (GRCh38, 1-based): chr1:197,429,539, G>T. VCF-style: chr1-197429539-G-T. GRCh37 (hg19) VCF-style: chr1-197398669-G-T.
Other names: c.2431G>T, p.Glu811Ter (NM_001193640.2); c.2695G>T, p.Glu899Ter (NM_001257965.2); c.2129-6061G>T (NM_001257966.2); short protein forms E811*, E899*, E923*.
Identifiers: ClinVar variation 1070332 (VCV001070332.8), dbSNP rs2125489019, ClinGen allele CA344040942.